The following is an entry in ClinVar:

ClinVar aggregate classification (germline): Pathogenic. Review status: criteria provided, single submitter (1 of 4 stars). 3 submissions from 3 submitters: Pathogenic (1). 2 of the submissions do not count toward it. Last evaluated 2019-06-13.

Conditions:
Neurodevelopmental disorder with impaired speech and hyperkinetic movements. Identifiers: MedGen C5193088, MONDO:0032741, OMIM 618425.

Allele frequency attached by ClinVar (database versions not stated): gnomAD exomes below 0.00001.

Submissions (3):

Institute of Human Genetics Munich, TUM University Hospital
Classification: Pathogenic for Neurodevelopmental disorder with impaired speech and hyperkinetic movements. Last evaluated: 2019-06-13. Review status: criteria provided, single submitter. Criteria: Classification criteria August 2017. Collection method: clinical testing. Allele origin: paternal. Inheritance: Autosomal recessive inheritance. Affected: yes. Observed: 2 compound heterozygotes.

OMIM
Classification: Pathogenic for NEURODEVELOPMENTAL DISORDER WITH IMPAIRED SPEECH AND HYPERKINETIC MOVEMENTS. Last evaluated: 2019-05-13. Review status: no assertion criteria provided. Collection method: literature only. Allele origin: germline. Not counted in ClinVar's aggregate classification.

Advanced Center For Translational And Genetic Medicine, Ann & Robert H. Lurie Children's Hospital Of Chicago
Classification: Likely pathogenic for Neurodevelopmental disorder with impaired speech and hyperkinetic movements. Last evaluated: 2019-03-08. Review status: no assertion criteria provided. Collection method: research. Allele origin: paternal. Inheritance: Autosomal recessive inheritance. Affected: yes. Observed: 2 variant alleles. Not counted in ClinVar's aggregate classification.
Comment: compound heterozygous

Literature cited by the submitters: PubMed 31036918 (cited by OMIM and Advanced Center For Translational And Genetic Medicine, Ann & Robert H. Lurie Children's Hospital Of Chicago).

NM_001379659.1(ZNF142):c.1892del (p.Cys631fs)

Gene: ZNF142 (zinc finger protein 142; minus strand). Cytogenetic location: 2q35.
Variant type: Deletion.
Coding change: c.1892del on transcript NM_001379659.1 (MANE Select); coding-DNA position 1892, one base deleted (G; older notation c.1892delG).
Protein change: p.Cys631fs; shifts the reading frame from cysteine 631.
Molecular consequence: frameshift variant.
Genome position (GRCh38, 1-based): chr2:218,646,330, C deleted on the plus strand (G on the coding strand, the reverse complement: ZNF142 is on the minus strand). VCF-style (leftmost placement, unchanged base first): chr2-218646329-AC-A. GRCh37 (hg19) VCF-style: chr2-219511052-AC-A.
Other names: c.1892del, p.Cys631fs (NM_001379660.1, NM_001379661.1, NM_001366290.3); c.1292del, p.Cys431fs (NM_001379662.1); c.1292delG, p.Cys431Leufs (NM_001105537.5, NM_001366291.3); c.803delG, p.Cys268Leufs (NM_001366287.3, NM_001366288.3, NM_001366289.3); c.1292delG (NM_001105537.3); short protein forms C268fs, C431fs, C631fs.
Identifiers: ClinVar variation 627542 (VCV000627542.10), dbSNP rs1559296368, ClinGen allele CA913189457.
Genomic context (GRCh38, chr2:218,646,329, plus strand): 5'-GTGGGTCAGCATGTGCTTGGATAGGTAGCTCACGTCTCGGCATGTGAAGTCACACAGCTC[AC>A]ACTTGTGGGGCTTCTCACCTTATATGGGGGATGCGGATGAAGGGAGAGAACACAGGTCAG-3'